The following is an entry in ClinVar:

NM_001079866.2(BCS1L):c.902A>G (p.Tyr301Cys)

Gene: BCS1L (BCS1 homolog, ubiquinol-cytochrome c reductase complex chaperone; plus strand). Cytogenetic location: 2q35.
Variant type: single nucleotide variant.
Coding change: c.902A>G on transcript NM_001079866.2 (MANE Select); coding-DNA position 902, A replaced by G.
Protein change: p.Tyr301Cys; replaces tyrosine 301 with cysteine.
Molecular consequence: missense variant. On other transcripts: non-coding transcript variant (1).
Genome position (GRCh38, 1-based): chr2:218,662,895, A>G. VCF-style: chr2-218662895-A-G. GRCh37 (hg19) VCF-style: chr2-219527618-A-G.
Other names: c.902A>G, p.Tyr301Cys (NM_001257342.2, NM_001257343.2, NM_001257344.2 and 10 more transcripts); c.542A>G, p.Tyr181Cys (NM_001318836.2, NM_001371451.1); c.401A>G, p.Tyr134Cys (NM_001371452.1, NM_001371453.1, NM_001371454.1 and 3 more transcripts); short protein forms Y134C, Y181C, Y301C.
Identifiers: ClinVar variation 3601100 (VCV003601100.1).

ClinVar aggregate classification (germline): Likely pathogenic (1 of 4 stars; one submission).

Conditions:
Pili torti-deafness syndrome (BJS). Also called: PILI TORTI AND NERVE DEAFNESS; Bjornstad syndrome. Identifiers: Orphanet 123, MedGen C0266006, MONDO:0009872, OMIM 262000.

Submission:

Institute of Rare Diseases, West China Hospital, Sichuan University
Classification: Likely pathogenic for Pili torti-deafness syndrome. Last evaluated: 2025-01-09. Review status: criteria provided, single submitter. Criteria: ClinGen HL ACMG Specifications v1. Collection method: research. Allele origin: germline. Affected: yes.
Comment: PM3;PM5;PM2_Supporting;PP3